The following is an entry in ClinVar:

NM_032634.4(PIGO):c.460G>A (p.Ala154Thr)

Gene: PIGO (phosphatidylinositol glycan anchor biosynthesis class O; minus strand). Cytogenetic location: 9p13.3.
Variant type: single nucleotide variant.
Coding change: c.460G>A on transcript NM_032634.4 (MANE Select); coding-DNA position 460, G replaced by A.
Protein change: p.Ala154Thr; replaces alanine 154 with threonine.
Molecular consequence: missense variant.
Genome position (GRCh38, 1-based): chr9:35,095,106, C>T on the plus strand (G>A on the coding strand, the complement: PIGO is on the minus strand). VCF-style: chr9-35095106-C-T. GRCh37 (hg19) VCF-style: chr9-35095103-C-T.
Other names: c.460G>A, p.Ala154Thr (NM_001201484.2, NM_152850.4); short protein forms A154T.
Identifiers: ClinVar variation 1044311 (VCV001044311.7), dbSNP rs201813691, ClinGen allele CA5040940.

ClinVar aggregate classification (germline): Uncertain significance. Review status: criteria provided, multiple submitters, no conflicts (2 of 4 stars). 2 submissions from 2 submitters: Uncertain significance (2). Last evaluated 2022-07-25.

Conditions:
Hyperphosphatasia with impaired intellectual development syndrome 2. Also called: Hyperphosphatasia with intellectual disability syndrome 2; GLYCOSYLPHOSPHATIDYLINOSITOL BIOSYNTHESIS DEFECT 6. Identifiers: Orphanet 247262, MedGen C3553637, MONDO:0013882, OMIM 614749.

Allele frequency attached by ClinVar (database versions not stated): gnomAD exomes 0.00003; gnomAD 0.00002 and 0.00001; TOPMed 0.00002.

Submissions (2):

Labcorp Genetics (formerly Invitae), Labcorp
Classification: Uncertain significance for Hyperphosphatasia with impaired intellectual development syndrome 2. Last evaluated: 2022-07-25. Review status: criteria provided, single submitter. Criteria: Invitae Variant Classification Sherloc (09022015). Collection method: clinical testing. Allele origin: germline.
Comment: This variant has not been reported in the literature in individuals affected with PIGO-related conditions. In summary, the available evidence is currently insufficient to determine the role of this variant in disease. Therefore, it has been classified as a Variant of Uncertain Significance. Algorithms developed to predict the effect of missense changes on protein structure and function are either unavailable or do not agree on the potential impact of this missense change (SIFT: "Tolerated"; PolyPhen-2: "Possibly Damaging"; Align-GVGD: "Class C0"). ClinVar contains an entry for this variant (Variation ID: 1044311). This variant is present in population databases (rs201813691, gnomAD 0.06%). This sequence change replaces alanine, which is neutral and non-polar, with threonine, which is neutral and polar, at codon 154 of the PIGO protein (p.Ala154Thr).

Blueprint Genetics
Classification: Uncertain significance. Last evaluated: 2021-09-28. Review status: criteria provided, single submitter. Criteria: ACMG Guidelines, 2015. Collection method: clinical testing. Allele origin: germline.